The following is an entry in ClinVar:

ClinVar aggregate classification (germline): Uncertain significance. Review status: criteria provided, multiple submitters, no conflicts (2 of 4 stars). 2 submissions from 2 submitters: Uncertain significance (2). Last evaluated 2023-01-01.

Conditions:
Intellectual developmental disorder with hypotonia, impaired speech, and dysmorphic facies (IDDHISD). Identifiers: MedGen C5561997, MONDO:0859197, OMIM 619556.

Submissions (2):

CeGaT Center for Human Genetics Tuebingen
Classification: Uncertain significance. Last evaluated: 2023-01-01. Review status: criteria provided, single submitter. Criteria: CeGaT Center For Human Genetics Tuebingen Variant Classification Criteria Version 2. Collection method: clinical testing. Allele origin: germline. Affected: yes. Observed: 1 variant allele.
Comment: TNPO2: PM2, PP2

MGZ Medical Genetics Center
Classification: Uncertain significance for Intellectual developmental disorder with hypotonia, impaired speech, and dysmorphic facies. Last evaluated: 2022-07-21. Review status: criteria provided, single submitter. Criteria: ACMG Guidelines, 2015. Collection method: clinical testing. Allele origin: germline. Affected: yes. Observed: 1 variant allele.
Comment: ACMG criteria applied: PM2_SUP, PP2

NM_001382241.1(TNPO2):c.2059C>A (p.Leu687Ile)

Gene: TNPO2 (transportin 2; minus strand). Cytogenetic location: 19p13.13.
Variant type: single nucleotide variant.
Coding change: c.2059C>A on transcript NM_001382241.1 (MANE Select); coding-DNA position 2059, C replaced by A.
Protein change: p.Leu687Ile; replaces leucine 687 with isoleucine.
Molecular consequence: missense variant. On other transcripts: non-coding transcript variant (6).
Genome position (GRCh38, 1-based): chr19:12,703,765, G>T on the plus strand (C>A on the coding strand, the complement: TNPO2 is on the minus strand). VCF-style: chr19-12703765-G-T. GRCh37 (hg19) VCF-style: chr19-12814579-G-T.
Other names: c.2059C>A, p.Leu687Ile (NM_001136195.2, NM_001136196.2, NM_001382236.1 and 7 more transcripts); short protein forms L687I.
Identifiers: ClinVar variation 1709657 (VCV001709657.30), dbSNP rs2145464926, ClinGen allele CA404234795.